The following is an entry in ClinVar:

NM_020949.3(SLC7A14):c.759G>A (p.Gly253=)

Genes: SLC7A14-AS1 (SLC7A14 antisense RNA 1; plus strand), SLC7A14 (solute carrier family 7 member 14; minus strand). Cytogenetic location: 3q26.2.
Variant type: single nucleotide variant.
Coding change: c.759G>A on transcript NM_020949.3 (MANE Select); coding-DNA position 759, G replaced by A.
Protein change: p.Gly253=; no amino-acid change (glycine 253 retained).
Molecular consequence: synonymous variant.
Genome position (GRCh38, 1-based): chr3:170,498,667, C>T on the plus strand (G>A on the coding strand, the complement: SLC7A14 is on the minus strand). VCF-style: chr3-170498667-C-T. GRCh37 (hg19) VCF-style: chr3-170216456-C-T.
Identifiers: ClinVar variation 1036508 (VCV001036508.8), dbSNP rs201596014, ClinGen allele CA2701838.
Genomic context (GRCh38, chr3:170,498,667, plus strand): 5'-GGTCACAGGGTAGAAGGCAGAGTGTGTGACAGGCACACCAGGTGTTTGGAACAAACTTAC[C>T]CCTGACCAGCCGTGGGGCAAGAACTGGCCCTCCGCCCAGTATTTCCCATTGATGAAGAAG-3'
Protein context (NP_066000.2, residues 243-263): EGQFLPHGWS[Gly253=]VLQGAATCFY

ClinVar aggregate classification (germline): Uncertain significance (1 of 4 stars; one submission).

Allele frequency attached by ClinVar (database versions not stated): gnomAD 0.00001; gnomAD exomes 0.00001; TOPMed 0.00001; ExAC 0.00002.
gnomAD v4.1: 27 of 1,613,826 alleles (0.0017%); highest among the groups gnomAD compares: Non-Finnish European, 0.0021%; no homozygotes.

Submission:

Labcorp Genetics (formerly Invitae), Labcorp
Classification: Uncertain significance. Last evaluated: 2024-12-03. Review status: criteria provided, single submitter. Criteria: Invitae Variant Classification Sherloc (09022015). Collection method: clinical testing. Allele origin: germline.
Comment: This sequence change affects codon 253 of the SLC7A14 mRNA. It is a 'silent' change, meaning that it does not change the encoded amino acid sequence of the SLC7A14 protein. This variant also falls at the last nucleotide of exon 4, which is part of the consensus splice site for this exon. This variant is present in population databases (rs201596014, gnomAD 0.004%). This variant has not been reported in the literature in individuals affected with SLC7A14-related conditions. ClinVar contains an entry for this variant (Variation ID: 1036508). Variants that disrupt the consensus splice site are a relatively common cause of aberrant splicing (PMID: 17576681, 9536098). Algorithms developed to predict the effect of sequence changes on RNA splicing suggest that this variant is not likely to affect RNA splicing. In summary, the available evidence is currently insufficient to determine the role of this variant in disease. Therefore, it has been classified as a Variant of Uncertain Significance.

Literature cited by the submitters: PubMed 17576681; PubMed 9536098.